The following is an entry in ClinVar:

NM_000057.4(BLM):c.1261G>T (p.Ala421Ser)

Gene: BLM (BLM RecQ like helicase; plus strand). Cytogenetic location: 15q26.1.
Variant type: single nucleotide variant.
Coding change: c.1261G>T on transcript NM_000057.4 (MANE Select); coding-DNA position 1261, G replaced by T.
Protein change: p.Ala421Ser; replaces alanine 421 with serine.
Molecular consequence: missense variant.
Genome position (GRCh38, 1-based): chr15:90,760,634, G>T. VCF-style: chr15-90760634-G-T. GRCh37 (hg19) VCF-style: chr15-91303864-G-T.
Other names: c.1261G>T, p.Ala421Ser (NM_001287246.2, NM_001287247.2); c.136G>T, p.Ala46Ser (NM_001287248.2); short protein forms A46S, A421S.
Identifiers: ClinVar variation 1469180 (VCV001469180.8), dbSNP rs587779879, ClinGen allele CA393842679.

ClinVar aggregate classification (germline): Uncertain significance. Review status: criteria provided, multiple submitters, no conflicts (2 of 4 stars). 2 submissions from 2 submitters: Uncertain significance (2). Last evaluated 2025-11-22.

Conditions:
Hereditary cancer-predisposing syndrome. Also called: Tumor predisposition; Hereditary Cancer Syndrome; Hereditary neoplastic syndrome; Neoplastic Syndromes, Hereditary. Identifiers: Orphanet 140162, MedGen C0027672, MeSH D009386, MONDO:0015356.
Bloom syndrome (BLM). Also called: Bloom-Torre-Machacek syndrome. Identifiers: Orphanet 125, MedGen C0005859, MONDO:0008876, OMIM 210900.

gnomAD v4.1: 3 of 1,612,478 alleles (0.00019%); highest among the groups gnomAD compares: Non-Finnish European, 0.00025%; no homozygotes.

Submissions (2):

Labcorp Genetics (formerly Invitae), Labcorp
Classification: Uncertain significance for Bloom syndrome. Last evaluated: 2025-11-22. Review status: criteria provided, single submitter. Criteria: Invitae Variant Classification Sherloc (09022015). Collection method: clinical testing. Allele origin: germline.
Comment: This sequence change replaces alanine, which is neutral and non-polar, with serine, which is neutral and polar, at codon 421 of the BLM protein (p.Ala421Ser). This variant is present in population databases (no rsID available, gnomAD 0.007%). This variant has not been reported in the literature in individuals affected with BLM-related conditions. ClinVar contains an entry for this variant (Variation ID: 1469180). Invitae Evidence Modeling of protein sequence and biophysical properties (such as structural, functional, and spatial information, amino acid conservation, physicochemical variation, residue mobility, and thermodynamic stability) indicates that this missense variant is not expected to disrupt BLM protein function with a negative predictive value of 80%. In summary, the available evidence is currently insufficient to determine the role of this variant in disease. Therefore, it has been classified as a Variant of Uncertain Significance.

Ambry Genetics
Classification: Uncertain significance for Hereditary cancer-predisposing syndrome. Last evaluated: 2019-11-27. Review status: criteria provided, single submitter. Criteria: Ambry Variant Classification Scheme 2023. Collection method: clinical testing. Allele origin: germline.
Comment: The p.A421S variant (also known as c.1261G>T), located in coding exon 6 of the BLM gene, results from a G to T substitution at nucleotide position 1261. The alanine at codon 421 is replaced by serine, an amino acid with similar properties. This amino acid position is not well conserved in available vertebrate species. In addition, this alteration is predicted to be tolerated by in silico analysis. Since supporting evidence is limited at this time, the clinical significance of this alteration remains unclear.